The following is an entry in ClinVar:

ClinVar aggregate classification (germline): Uncertain significance (0 of 4 stars; one submission).

Conditions:
MAGEL2-related disorder. Also called: MAGEL2-related condition.

Submission:

PreventionGenetics, part of Exact Sciences
Classification: Uncertain significance for MAGEL2-related condition. Last evaluated: 2023-12-28. Review status: no assertion criteria provided. Collection method: clinical testing. Allele origin: germline.
Comment: The MAGEL2 c.3414G>C variant is predicted to result in the amino acid substitution p.Lys1138Asn. To our knowledge, this variant has not been reported in the literature or in a large population database, indicating this variant is rare. At this time, the clinical significance of this variant is uncertain due to the absence of conclusive functional and genetic evidence.

NM_019066.5(MAGEL2):c.3414G>C (p.Lys1138Asn)

Gene: MAGEL2 (MAGE family member L2; minus strand). Cytogenetic location: 15q11.2.
Variant type: single nucleotide variant.
Coding change: c.3414G>C on transcript NM_019066.5 (MANE Select); coding-DNA position 3414, G replaced by C.
Protein change: p.Lys1138Asn; replaces lysine 1138 with asparagine.
Molecular consequence: missense variant.
Genome position (GRCh38, 1-based): chr15:23,644,329, C>G on the plus strand (G>C on the coding strand, the complement: MAGEL2 is on the minus strand). VCF-style: chr15-23644329-C-G. GRCh37 (hg19) VCF-style: chr15-23889476-C-G.
Other names: short protein forms K1138N.
Identifiers: ClinVar variation 3052112 (VCV003052112.2), dbSNP rs1293959344, ClinGen allele CA391323374.
Genomic context (GRCh38, chr15:23,644,329, plus strand): 5'-GGTGATGAGCTTCTTAGTATTTCCAAAGAGACCGTTTGTCTCCCGGACATCCAACCCTAA[C>G]TTGAACAGAAAATTAAAGATCAGATCCTCCCTGACACAGTTGCCTTTCATAAAGATGAGG-3'
Protein context (NP_061939.3, residues 1128-1148): REDLIFNFLF[Lys1138Asn]LGLDVRETNG